The following is an entry in ClinVar:

NM_001242896.3(DEPDC5):c.3842del (p.Ala1281fs)

Gene: DEPDC5 (DEP domain containing 5, GATOR1 subcomplex subunit; plus strand). Cytogenetic location: 22q12.3.
Variant type: Deletion.
Coding change: c.3842del on transcript NM_001242896.3 (MANE Select); coding-DNA position 3842, one base deleted (C; older notation c.3842delC).
Protein change: p.Ala1281fs; shifts the reading frame from alanine 1281.
Molecular consequence: frameshift variant. On other transcripts: non-coding transcript variant (5).
Genome position (GRCh38, 1-based): chr22:31,879,561, C deleted. VCF-style (leftmost placement, unchanged base first): chr22-31879560-GC-G. GRCh37 (hg19) VCF-style: chr22-32275546-GC-G.
Other names: c.3815del, p.Ala1272fs (NM_001136029.4); c.3542del, p.Ala1181fs (NM_001242897.2); c.3776del, p.Ala1259fs (NM_001363852.2, NM_001364320.2); c.3608del, p.Ala1203fs (NM_001363854.2, NM_001364319.2); c.3842del, p.Ala1281fs (NM_001364318.2); c.3758del, p.Ala1253fs (NM_001369901.1, NM_001369902.1); c.3749del, p.Ala1250fs (NM_001369903.1, NM_014662.6); short protein forms A1253fs, A1281fs, A1181fs, A1250fs, A1259fs, A1272fs, A1203fs.
Identifiers: ClinVar variation 4764102 (VCV004764102.1).
Genomic context (GRCh38, chr22:31,879,560, plus strand): 5'-CTTCTCTCCCCTCCACTTTTCCCAGTGGCCATGCAGCAGCCCGCCACCACCTGGCACACA[GC>G]AGGAGTGGACGACTTCGCCAGCTTCCAGCGCAAGTGGTTTGAGGTGGCCTTTGTGGCAGA-3'

ClinVar aggregate classification (germline): Pathogenic (1 of 4 stars; one submission).

Conditions:
Familial focal epilepsy with variable foci (FPEVF). Identifiers: Orphanet 98820, MedGen C1858477, MONDO:0020310.

Submission:

Labcorp Genetics (formerly Invitae), Labcorp
Classification: Pathogenic for Familial focal epilepsy with variable foci. Last evaluated: 2025-06-05. Review status: criteria provided, single submitter. Criteria: Invitae Variant Classification Sherloc (09022015). Collection method: clinical testing. Allele origin: germline.
Comment: This sequence change creates a premature translational stop signal (p.Ala1281Glufs*64) in the DEPDC5 gene. It is expected to result in an absent or disrupted protein product. Loss-of-function variants in DEPDC5 are known to be pathogenic (PMID: 23542697, 23542701). This variant is not present in population databases (gnomAD no frequency). This variant has not been reported in the literature in individuals affected with DEPDC5-related conditions. For these reasons, this variant has been classified as Pathogenic.

Literature cited by the submitters: PubMed 23542697; PubMed 23542701.